The following is an entry in ClinVar:

NM_001386140.1(MTTP):c.1873C>T (p.Pro625Ser)

Gene: MTTP (microsomal triglyceride transfer protein; plus strand). Cytogenetic location: 4q23.
Variant type: single nucleotide variant.
Coding change: c.1873C>T on transcript NM_001386140.1 (MANE Select); coding-DNA position 1873, C replaced by T.
Protein change: p.Pro625Ser; replaces proline 625 with serine.
Molecular consequence: missense variant.
Genome position (GRCh38, 1-based): chr4:99,611,337, C>T. VCF-style: chr4-99611337-C-T. GRCh37 (hg19) VCF-style: chr4-100532494-C-T.
Other names: c.1873C>T, p.Pro625Ser (NM_000253.4); c.1624C>T, p.Pro542Ser (NM_001300785.2); c.1873C>T (NM_000253.2); short protein forms P625S, P542S.
Identifiers: ClinVar variation 2080853 (VCV002080853.3), dbSNP rs531331759, ClinGen allele CA3022233.

ClinVar aggregate classification (germline): Conflicting classifications of pathogenicity. Review status: criteria provided, conflicting classifications (1 of 4 stars). 3 submissions from 3 submitters: Uncertain significance (2); Likely benign (1). Last evaluated 2025-02-08.

Conditions:
Inborn genetic diseases. Identifiers: MedGen C0950123, MeSH D030342.

Allele frequency attached by ClinVar (database versions not stated): TOPMed 0.00001; gnomAD 0.00002; 1000 Genomes Project 30x 0.00016; ExAC 0.00019; 1000 Genomes Project 0.00020.
gnomAD v4.1: 129 of 1,614,058 alleles (0.008%); highest among the groups gnomAD compares: South Asian, 0.14%; 3 homozygotes.

Submissions (3):

Ambry Genetics
Classification: Uncertain significance for Inborn genetic diseases. Last evaluated: 2025-02-08. Review status: criteria provided, single submitter. Criteria: Ambry Variant Classification Scheme 2023. Collection method: clinical testing. Allele origin: germline.

Blueprint Genetics
Classification: Likely benign. Last evaluated: 2024-08-30. Review status: criteria provided, single submitter. Criteria: ACMG Guidelines, 2015. Collection method: clinical testing. Allele origin: germline.

Labcorp Genetics (formerly Invitae), Labcorp
Classification: Uncertain significance. Last evaluated: 2022-06-14. Review status: criteria provided, single submitter. Criteria: Invitae Variant Classification Sherloc (09022015). Collection method: clinical testing. Allele origin: germline.
Comment: This sequence change replaces proline, which is neutral and non-polar, with serine, which is neutral and polar, at codon 625 of the MTTP protein (p.Pro625Ser). This variant is present in population databases (rs531331759, gnomAD 0.1%). This variant has not been reported in the literature in individuals affected with MTTP-related conditions. Algorithms developed to predict the effect of missense changes on protein structure and function output the following: SIFT: "Tolerated"; PolyPhen-2: "Benign"; Align-GVGD: "Class C0". The serine amino acid residue is found in multiple mammalian species, which suggests that this missense change does not adversely affect protein function. In summary, the available evidence is currently insufficient to determine the role of this variant in disease. Therefore, it has been classified as a Variant of Uncertain Significance.